The following is an entry in ClinVar:

ClinVar aggregate classification (germline): Uncertain significance (1 of 4 stars; one submission).

Conditions:
Pyridoxal phosphate-responsive seizures (PNPOD). Also called: Pyridoxine-5'-phosphate oxidase deficiency; Pyridoxal 5'-Phosphate (PLP)-Dependent Epilepsy; EPILEPTIC ENCEPHALOPATHY, NEONATAL, PNPO-RELATED; SEIZURES, PYRIDOXINE-RESISTANT, PLP-SENSITIVE; Pyridoxamine 5-Prime-Phosphate Oxidase Deficiency. Identifiers: Orphanet 79096, MedGen C1864723, MONDO:0012407, OMIM 610090. Disease mechanism: loss of function.

Allele frequency attached by ClinVar (database versions not stated): gnomAD exomes 0.00001; ExAC 0.00002; TOPMed 0.00002; gnomAD 0.00003.

Submission:

Labcorp Genetics (formerly Invitae), Labcorp
Classification: Uncertain significance for Pyridoxal phosphate-responsive seizures. Last evaluated: 2022-02-05. Review status: criteria provided, single submitter. Criteria: Invitae Variant Classification Sherloc (09022015). Collection method: clinical testing. Allele origin: germline.
Comment: This sequence change replaces arginine, which is basic and polar, with cysteine, which is neutral and slightly polar, at codon 249 of the PNPO protein (p.Arg249Cys). This variant is present in population databases (rs777671908, gnomAD 0.02%). This variant has not been reported in the literature in individuals affected with PNPO-related conditions. Algorithms developed to predict the effect of missense changes on protein structure and function output the following: SIFT: "Deleterious"; PolyPhen-2: "Benign"; Align-GVGD: "Class C0". The cysteine amino acid residue is found in multiple mammalian species, which suggests that this missense change does not adversely affect protein function. In summary, the available evidence is currently insufficient to determine the role of this variant in disease. Therefore, it has been classified as a Variant of Uncertain Significance.

NM_018129.4(PNPO):c.745C>T (p.Arg249Cys)

Gene: PNPO (pyridoxamine 5'-phosphate oxidase; plus strand). Cytogenetic location: 17q21.32.
Variant type: single nucleotide variant.
Coding change: c.745C>T on transcript NM_018129.4 (MANE Select); coding-DNA position 745, C replaced by T.
Protein change: p.Arg249Cys; replaces arginine 249 with cysteine.
Molecular consequence: missense variant.
Genome position (GRCh38, 1-based): chr17:47,946,741, C>T. VCF-style: chr17-47946741-C-T. GRCh37 (hg19) VCF-style: chr17-46024107-C-T.
Other names: short protein forms R249C.
Identifiers: ClinVar variation 1380791 (VCV001380791.3), dbSNP rs777671908, ClinGen allele CA8629273.